The following is an entry in ClinVar:

NM_153700.2(STRC):c.3670C>T (p.Arg1224Ter)

Gene: STRC (stereocilin; minus strand). Cytogenetic location: 15q15.3.
Variant type: single nucleotide variant.
Coding change: c.3670C>T on transcript NM_153700.2 (MANE Select); coding-DNA position 3670, C replaced by T.
Protein change: p.Arg1224Ter; replaces arginine 1224 with a stop codon.
Molecular consequence: nonsense.
Genome position (GRCh38, 1-based): chr15:43,608,091, G>A on the plus strand (C>T on the coding strand, the complement: STRC is on the minus strand). VCF-style: chr15-43608091-G-A. GRCh37 (hg19) VCF-style: chr15-43900289-G-A.
Other names: short protein forms R1224*.
Identifiers: ClinVar variation 165315 (VCV000165315.13), dbSNP rs727503444, ClinGen allele CA273238.

ClinVar aggregate classification (germline): Pathogenic. Review status: criteria provided, multiple submitters, no conflicts (2 of 4 stars). 5 submissions from 5 submitters: Pathogenic (5). Last evaluated 2026-03-31.

Conditions:
Rare genetic deafness. Identifiers: Orphanet 96210, MedGen C5680250.
STRC-related disorder. Also called: STRC-related condition.
Spermatogenic failure 7. Also called: MALE INFERTILITY, NONSYNDROMIC, AUTOSOMAL RECESSIVE. Identifiers: Orphanet 276234, MedGen C2751811, MONDO:0013070, OMIM 612997.
Autosomal recessive nonsyndromic hearing loss 16. Also called: DFNB16 Nonsyndromic Hearing Loss and Deafness; DEAFNESS, AUTOSOMAL RECESSIVE 16. Identifiers: Orphanet 90636, MedGen C1863561, MONDO:0011364, OMIM 603720.
Deafness-infertility syndrome. Also called: Deafness and male infertility. Identifiers: Orphanet 94064, MedGen C1970187, MONDO:0012621, OMIM 611102.

Allele frequency attached by ClinVar (database versions not stated): TOPMed 0.00004; gnomAD exomes 0.00006 and 0.00007; gnomAD 0.00007; ExAC 0.00009.
gnomAD v4.1: 112 of 1,609,882 alleles (0.007%); highest among the groups gnomAD compares: South Asian, 0.014%; 1 homozygote.

Submissions (5):

PreventionGenetics, part of Exact Sciences
Classification: Pathogenic for STRC-related condition. Last evaluated: 2026-03-31. Review status: criteria provided, single submitter. Criteria: ACMG Guidelines, 2015. Collection method: clinical testing. Allele origin: germline.
Comment: The STRC c.3670C>T variant is predicted to result in premature protein termination (p.Arg1224*). This variant was reported in the homozygous or compound heterozygous state with another STRC pathogenic variant in multiple individuals with autosomal recessive hearing loss (Table S1, Liu et al. 2019. PubMed ID: 31216405; Nishio et al. 2022. PubMed ID: 35022556; Amr et al. 2018. PubMed ID: 29339441; ClinVar Variation ID: 165315). This variant is reported in 0.013% of alleles in individuals of South Asian descent in gnomAD. Nonsense variants in STRC are expected to be pathogenic. This variant is interpreted as pathogenic.

GeneDx
Classification: Pathogenic. Last evaluated: 2025-04-01. Review status: criteria provided, single submitter. Criteria: GeneDx Variant Classification Process June 2021. Collection method: clinical testing. Allele origin: germline. Affected: yes.
Comment: Nonsense variant predicted to result in protein truncation or nonsense mediated decay in a gene for which loss-of-function is a known mechanism of disease; This variant is associated with the following publications: (PMID: 35022556, 21078986, 22147502, 31216405, 29339441, 34599366)

Fulgent Genetics
Classification: Pathogenic for Autosomal recessive nonsyndromic hearing loss 16; Deafness-infertility syndrome; Spermatogenic failure 7. Last evaluated: 2022-03-01. Review status: criteria provided, single submitter. Criteria: ACMG Guidelines, 2015. Collection method: clinical testing. Allele origin: unknown.

Laboratory for Molecular Medicine, Mass General Brigham Personalized Medicine
Classification: Pathogenic for Rare genetic deafness. Last evaluated: 2014-11-28. Review status: criteria provided, single submitter. Criteria: LMM Criteria. Collection method: clinical testing. Allele origin: germline. Inheritance: Autosomal recessive inheritance. Observed: 5 variant alleles.
Comment: The p.Arg1224X variant in STRC has been previously identified by our laboratory in 2 Caucasian individuals with hearing loss, both of whom carried a second path ogenic variant in STRC on the other allele. It was absent from large population studies. This nonsense variant leads to a premature termination codon at positio n 1224, which is predicted to lead to a truncated or absent protein. In summary, this variant meets our criteria to be classified as pathogenic for hearing loss in an autosomal recessive manner based on its predicted impact to the protein.

Genome-Nilou Lab
Classification: Pathogenic for Autosomal recessive nonsyndromic hearing loss 16. Review status: criteria provided, single submitter. Criteria: ACMG Guidelines, 2015. Collection method: clinical testing. Allele origin: germline.

Literature cited by the submitters: PubMed 22147502 (cited by Laboratory for Molecular Medicine, Mass General Brigham Personalized Medicine); PubMed 21078986 (cited by Laboratory for Molecular Medicine, Mass General Brigham Personalized Medicine).